The following is an entry in ClinVar:

ClinVar aggregate classification (germline): Uncertain significance (1 of 4 stars; one submission).

Submission:

Ambry Genetics
Classification: Uncertain significance. Last evaluated: 2021-08-11. Review status: criteria provided, single submitter. Criteria: Ambry Variant Classification Scheme 2023. Collection method: clinical testing. Allele origin: germline.
Comment: The p.G17S variant (also known as c.49G>A), located in coding exon 2 of the RAD54L gene, results from a G to A substitution at nucleotide position 49. The glycine at codon 17 is replaced by serine, an amino acid with similar properties. This amino acid position is conserved. In addition, this alteration is predicted to be tolerated by in silico analysis. Since supporting evidence is limited at this time, the clinical significance of this alteration remains unclear.

NM_003579.4(RAD54L):c.49G>A (p.Gly17Ser)

Gene: RAD54L (RAD54 like; plus strand). Cytogenetic location: 1p34.1.
Variant type: single nucleotide variant.
Coding change: c.49G>A on transcript NM_003579.4 (MANE Select); coding-DNA position 49, G replaced by A.
Protein change: p.Gly17Ser; replaces glycine 17 with serine.
Molecular consequence: missense variant. On other transcripts: 5 prime UTR variant (1).
Genome position (GRCh38, 1-based): chr1:46,248,557, G>A. VCF-style: chr1-46248557-G-A. GRCh37 (hg19) VCF-style: chr1-46714229-G-A.
Other names: c.49G>A, p.Gly17Ser (NM_001142548.2); c.-492G>A (NM_001370766.1); short protein forms G17S.
Identifiers: ClinVar variation 1744667 (VCV001744667.2), dbSNP rs2525626740, ClinGen allele CA340174340.